The following is an entry in ClinVar:

ClinVar aggregate classification (germline): Uncertain significance. Review status: criteria provided, multiple submitters, no conflicts (2 of 4 stars). 3 submissions from 3 submitters: Uncertain significance (3). Last evaluated 2025-08-03.

Conditions:
OTOG-related disorder. Also called: OTOG-related condition.

Allele frequency attached by ClinVar (database versions not stated): gnomAD exomes 0.00002 and 0.00012; gnomAD 0.00003 and 0.00004; TOPMed 0.00004.
gnomAD v4.1: 160 of 1,514,564 alleles (0.011%); highest among the groups gnomAD compares: Non-Finnish European, 0.014%; no homozygotes.

Submissions (3):

PreventionGenetics, part of Exact Sciences
Classification: Uncertain significance for OTOG-related condition. Last evaluated: 2025-08-03. Review status: criteria provided, single submitter. Criteria: ACMG Guidelines, 2015. Collection method: clinical testing. Allele origin: germline.
Comment: The OTOG c.4624C>G variant is predicted to result in the amino acid substitution p.Leu1542Val. To our knowledge, this variant has not been reported in the literature. This variant is reported in 0.0066% of alleles in individuals of African descent in gnomAD. At this time, the clinical significance of this variant is uncertain due to the absence of conclusive functional and genetic evidence.

Labcorp Genetics (formerly Invitae), Labcorp
Classification: Uncertain significance. Last evaluated: 2022-09-19. Review status: criteria provided, single submitter. Criteria: Invitae Variant Classification Sherloc (09022015). Collection method: clinical testing. Allele origin: germline.
Comment: This sequence change replaces leucine, which is neutral and non-polar, with valine, which is neutral and non-polar, at codon 1542 of the OTOG protein (p.Leu1542Val). This variant is present in population databases (rs766929865, gnomAD 0.007%). This variant has not been reported in the literature in individuals affected with OTOG-related conditions. ClinVar contains an entry for this variant (Variation ID: 229095). Algorithms developed to predict the effect of missense changes on protein structure and function (SIFT, PolyPhen-2, Align-GVGD) all suggest that this variant is likely to be tolerated. In summary, the available evidence is currently insufficient to determine the role of this variant in disease. Therefore, it has been classified as a Variant of Uncertain Significance.

Laboratory for Molecular Medicine, Mass General Brigham Personalized Medicine
Classification: Uncertain significance. Last evaluated: 2015-11-03. Review status: criteria provided, single submitter. Criteria: LMM Criteria. Collection method: clinical testing. Allele origin: germline. Observed: 1 variant allele.
Comment: The p.Leu1542Val variant in OTOG has not been previously reported in individuals with hearing loss. Data from large population studies are not available for thi s variant. Computational prediction tools and conservation analysis suggest that the p.Leu1542Val variant may not impact the protein, though this information is not predictive enough to rule out pathogenicity. In summary, the clinical signi ficance of the p.Leu1542Val variant is uncertain.

NM_001292063.2(OTOG):c.4588C>G (p.Leu1530Val)

Gene: OTOG (otogelin; plus strand). Cytogenetic location: 11p15.1.
Variant type: single nucleotide variant.
Coding change: c.4588C>G on transcript NM_001292063.2 (MANE Select); coding-DNA position 4588, C replaced by G.
Protein change: p.Leu1530Val; replaces leucine 1530 with valine.
Molecular consequence: missense variant.
Genome position (GRCh38, 1-based): chr11:17,609,888, C>G. VCF-style: chr11-17609888-C-G. GRCh37 (hg19) VCF-style: chr11-17631435-C-G.
Other names: c.4624C>G, p.Leu1542Val (NM_001277269.2); short protein forms L1542V, L1530V.
Identifiers: ClinVar variation 229095 (VCV000229095.8), dbSNP rs766929865, ClinGen allele CA10576867.